The following is an entry in ClinVar:

ClinVar aggregate classification (germline): Pathogenic (0 of 4 stars; one submission).

Conditions:
Alkaptonuria (AKU). Also called: Alkaptonuric ochronosis; Homogentisic acidura; HOMOGENTISIC ACID OXIDASE DEFICIENCY; Alcaptonuria. Identifiers: Orphanet 56, MedGen C0002066, MONDO:0008753, OMIM 203500.

Submission:

Department Of Human Genetics, Institute Of Clinical And Translational Research, Biomedical Research Center, Slovak Academy Of Sciences
Classification: Pathogenic for Alkaptonuria. Review status: no assertion criteria provided. Collection method: research. Allele origin: germline. Inheritance: Autosomal recessive inheritance. Observed: 1 variant allele.
Comment: The variant was originally described in PMID:19862842. It has been submitted to the HGD gene mutation database (DB-ID: AKU_00140).

Literature cited by the submitters: PubMed 19862842.

NM_000187.4(HGD):c.1008dup

Gene: HGD (homogentisate 1,2-dioxygenase; minus strand). Cytogenetic location: 3q13.33.
Variant type: Duplication.
Coding change: c.1008dup on transcript NM_000187.4 (MANE Select); coding-DNA position 1008, one base duplicated (G; older notation c.1008dupG).
Molecular consequence: splice acceptor variant.
Genome position (GRCh38, 1-based): chr3:120,633,327, C duplicated on the plus strand (G on the coding strand, the reverse complement: HGD is on the minus strand); the first of 3 consecutive C bases (chr3:120,633,327-120,633,329); duplicating any one gives the same sequence. VCF-style (leftmost placement, unchanged base first): chr3-120633326-T-TC. GRCh37 (hg19) VCF-style: chr3-120352173-T-TC.
Identifiers: ClinVar variation 2584706 (VCV002584706.2), dbSNP rs35952153, ClinGen allele CA81778051.